The following is an entry in ClinVar:

ClinVar aggregate classification (germline): Uncertain significance (1 of 4 stars; one submission).

Submission:

Labcorp Genetics (formerly Invitae), Labcorp
Classification: Uncertain significance. Last evaluated: 2022-05-03. Review status: criteria provided, single submitter. Criteria: Invitae Variant Classification Sherloc (09022015). Collection method: clinical testing. Allele origin: germline.
Comment: In summary, the available evidence is currently insufficient to determine the role of this variant in disease. Therefore, it has been classified as a Variant of Uncertain Significance. Algorithms developed to predict the effect of missense changes on protein structure and function are either unavailable or do not agree on the potential impact of this missense change (SIFT: "Not Available"; PolyPhen-2: "Benign"; Align-GVGD: "Not Available"). This variant has not been reported in the literature in individuals affected with UNC45A-related conditions. This variant is not present in population databases (gnomAD no frequency). This sequence change replaces leucine, which is neutral and non-polar, with phenylalanine, which is neutral and non-polar, at codon 294 of the UNC45A protein (p.Leu294Phe).

NM_018671.5(UNC45A):c.880C>T (p.Leu294Phe)

Gene: UNC45A (unc-45 myosin chaperone A; plus strand). Cytogenetic location: 15q26.1.
Variant type: single nucleotide variant.
Coding change: c.880C>T on transcript NM_018671.5 (MANE Select); coding-DNA position 880, C replaced by T.
Protein change: p.Leu294Phe; replaces leucine 294 with phenylalanine.
Molecular consequence: missense variant.
Genome position (GRCh38, 1-based): chr15:90,942,935, C>T. VCF-style: chr15-90942935-C-T. GRCh37 (hg19) VCF-style: chr15-91486165-C-T.
Other names: c.835C>T, p.Leu279Phe (NM_001039675.2, NM_001323621.2); c.880C>T, p.Leu294Phe (NM_001323619.1); c.445C>T, p.Leu149Phe (NM_001323620.2); short protein forms L279F, L294F, L149F.
Identifiers: ClinVar variation 2132712 (VCV002132712.4), dbSNP rs2543141254, ClinGen allele CA393852938.